The following is an entry in ClinVar:

NM_032776.3(JMJD1C):c.1103G>A (p.Arg368Gln)

Gene: JMJD1C (jumonji domain containing 1C; minus strand). Cytogenetic location: 10q21.3.
Variant type: single nucleotide variant.
Coding change: c.1103G>A on transcript NM_032776.3 (MANE Select); coding-DNA position 1103, G replaced by A.
Protein change: p.Arg368Gln; replaces arginine 368 with glutamine.
Molecular consequence: missense variant. On other transcripts: non-coding transcript variant (1).
Genome position (GRCh38, 1-based): chr10:63,215,064, C>T on the plus strand (G>A on the coding strand, the complement: JMJD1C is on the minus strand). VCF-style: chr10-63215064-C-T. GRCh37 (hg19) VCF-style: chr10-64974824-C-T.
Other names: c.557G>A, p.Arg186Gln (NM_001282948.2, NM_001318154.2); c.239G>A, p.Arg80Gln (NM_001318153.2); c.989G>A, p.Arg330Gln (NM_001322252.2); c.446G>A, p.Arg149Gln (NM_001322254.2, NM_001322258.2); short protein forms R368Q, R186Q, R149Q, R80Q, R330Q.
Identifiers: ClinVar variation 460210 (VCV000460210.34), dbSNP rs200644675, ClinGen allele CA5518860.

ClinVar aggregate classification (germline): Benign/Likely benign. Review status: criteria provided, multiple submitters, no conflicts (2 of 4 stars). 2 submissions from 2 submitters: Benign (1); Likely benign (1). Last evaluated 2026-06-01.

Conditions:
Early Myoclonic Encephalopathy. Identifiers: MedGen C0270855.

Allele frequency attached by ClinVar (database versions not stated): 1000 Genomes Project 30x 0.00047; TOPMed 0.00058; 1000 Genomes Project 0.00060; ExAC 0.00064; gnomAD exomes 0.00066; ESP Exome Variant Server 0.00077.
gnomAD v4.1: 756 of 1,602,600 alleles (0.047%); highest among the groups gnomAD compares: Middle Eastern, 0.25%; 2 homozygotes.

Submissions (2):

CeGaT Center for Human Genetics Tuebingen
Classification: Benign. Last evaluated: 2026-06-01. Review status: criteria provided, single submitter. Criteria: CeGaT Center For Human Genetics Tuebingen Variant Classification Criteria Version 2. Collection method: clinical testing. Allele origin: germline. Affected: yes. Observed: 6 variant alleles.
Comment: JMJD1C: BP4, BS1, BS2

Labcorp Genetics (formerly Invitae), Labcorp
Classification: Likely benign for Early Myoclonic Encephalopathy. Last evaluated: 2026-01-19. Review status: criteria provided, single submitter. Criteria: Invitae Variant Classification Sherloc (09022015). Collection method: clinical testing. Allele origin: germline.